The following is an entry in ClinVar:

ClinVar aggregate classification (germline): Uncertain significance (1 of 4 stars; one submission).

Conditions:
Spinocerebellar ataxia type 19/22 (SCA19). Also called: SPINOCEREBELLAR ATAXIA 19; SPINOCEREBELLAR ATAXIA 22. Identifiers: Orphanet 98772, MedGen C1846367, MONDO:0011819, OMIM 607346.

Submission:

Labcorp Genetics (formerly Invitae), Labcorp
Classification: Uncertain significance for Spinocerebellar ataxia type 19/22. Last evaluated: 2025-08-08. Review status: criteria provided, single submitter. Criteria: Invitae Variant Classification Sherloc (09022015). Collection method: clinical testing. Allele origin: germline.
Comment: This sequence change replaces threonine, which is neutral and polar, with isoleucine, which is neutral and non-polar, at codon 487 of the KCND3 protein (p.Thr487Ile). This variant is not present in population databases (gnomAD no frequency). This variant has not been reported in the literature in individuals affected with KCND3-related conditions. Invitae Evidence Modeling of protein sequence and biophysical properties (such as structural, functional, and spatial information, amino acid conservation, physicochemical variation, residue mobility, and thermodynamic stability) has been performed for this missense variant. However, the output from this modeling did not meet the statistical confidence thresholds required to predict the impact of this variant on KCND3 protein function. In summary, the available evidence is currently insufficient to determine the role of this variant in disease. Therefore, it has been classified as a Variant of Uncertain Significance.

NM_001378969.1(KCND3):c.1460C>T (p.Thr487Ile)

Gene: KCND3 (potassium voltage-gated channel subfamily D member 3; minus strand). Cytogenetic location: 1p13.2.
Variant type: single nucleotide variant.
Coding change: c.1460C>T on transcript NM_001378969.1 (MANE Select); coding-DNA position 1460, C replaced by T.
Protein change: p.Thr487Ile; replaces threonine 487 with isoleucine.
Molecular consequence: missense variant.
Genome position (GRCh38, 1-based): chr1:111,780,226, G>A on the plus strand (C>T on the coding strand, the complement: KCND3 is on the minus strand). VCF-style: chr1-111780226-G-A. GRCh37 (hg19) VCF-style: chr1-112322848-G-A.
Other names: c.1460C>T, p.Thr487Ile (NM_001378970.1, NM_004980.5, NM_172198.3); short protein forms T487I.
Identifiers: ClinVar variation 4765262 (VCV004765262.1).